The following is an entry in ClinVar:

NM_015559.3(SETBP1):c.1982A>C (p.Lys661Thr)

Gene: SETBP1 (SET binding protein 1; plus strand). Cytogenetic location: 18q12.3.
Variant type: single nucleotide variant.
Coding change: c.1982A>C on transcript NM_015559.3 (MANE Select); coding-DNA position 1982, A replaced by C.
Protein change: p.Lys661Thr; replaces lysine 661 with threonine.
Molecular consequence: missense variant.
Genome position (GRCh38, 1-based): chr18:44,951,322, A>C. VCF-style: chr18-44951322-A-C. GRCh37 (hg19) VCF-style: chr18-42531287-A-C.
Other names: c.1982A>C, p.Lys661Thr (NM_001379141.1, NM_001379142.1, NM_001410862.1); short protein forms K661T.
Identifiers: ClinVar variation 3381438 (VCV003381438.1).
Genomic context (GRCh38, chr18:44,951,322, plus strand): 5'-AACCCATGAGCGAGATGAAATTTCACAAGAAAGTTGGAAAGCTCGGCGTGTTGGATAAGA[A>C]GACCATCAAAACTATCAATAAGATGAAGACACTCAAGAGGAAAAACATCTTGAATCAGAT-3'
Protein context (NP_056374.2, residues 651-671): KVGKLGVLDK[Lys661Thr]TIKTINKMKT

ClinVar aggregate classification (germline): Uncertain significance (1 of 4 stars; one submission).

Submission:

GeneDx
Classification: Uncertain significance. Last evaluated: 2024-05-22. Review status: criteria provided, single submitter. Criteria: GeneDx Variant Classification Process June 2021. Collection method: clinical testing. Allele origin: germline. Affected: yes.
Comment: Not observed at significant frequency in large population cohorts (gnomAD); In silico analysis indicates that this missense variant does not alter protein structure/function; Has not been previously published as pathogenic or benign to our knowledge